The following is an entry in ClinVar:

NM_002693.3(POLG):c.3104+1del

Gene: POLG (DNA polymerase gamma, catalytic subunit; minus strand). Cytogenetic location: 15q26.1.
Variant type: Deletion.
Coding change: c.3104+1del on transcript NM_002693.3 (MANE Select); the canonical splice donor site of the intron after coding-DNA position 3104, one base deleted (G; older notation c.3104+1delG).
Molecular consequence: splice donor variant.
Genome position (GRCh38, 1-based): chr15:89,319,227, C deleted on the plus strand (G on the coding strand, the reverse complement: POLG is on the minus strand). VCF-style (leftmost placement, unchanged base first): chr15-89319226-AC-A. GRCh37 (hg19) VCF-style: chr15-89862457-AC-A.
Other names: c.3104+1del (NM_001126131.2); c.3104+1delG (NM_002693.3).
Identifiers: ClinVar variation 3907104 (VCV003907104.1).

ClinVar aggregate classification (germline): Likely pathogenic (1 of 4 stars; one submission).

Conditions:
Mitochondrial DNA depletion syndrome. Also called: mitochondrial DNA depletion. Identifiers: Orphanet 35698, MedGen C0342782, MONDO:0018158.

Submission:

Women's Health and Genetics/Laboratory Corporation of America, LabCorp
Classification: Likely pathogenic for Mitochondrial DNA depletion syndrome. Last evaluated: 2025-06-16. Review status: criteria provided, single submitter. Criteria: LabCorp Variant Classification Summary - May 2015. Collection method: clinical testing. Allele origin: germline.
Comment: Variant summary: POLG c.3104+1delG is located in a canonical splice-site and is predicted to affect mRNA splicing resulting in a significantly altered protein due to either exon skipping, shortening, or inclusion of intronic material. Variants that disrupt the consensus splice site are a relatively common cause of aberrant splicing and loss of POLG function. Several computational tools predict a significant impact on normal splicing: Four predict the variant abolishes a 5' splicing donor site. However, these predictions have yet to be confirmed by functional studies. The variant was absent in 1614086 control chromosomes. To our knowledge, no occurrence of c.3104+1delG in individuals affected with Mitochondrial DNA Depletion Syndrome - POLG Related and no experimental evidence demonstrating its impact on protein function have been reported. No submitters have cited clinical-significance assessments for this variant to ClinVar. Based on the evidence outlined above, the variant was classified as likely pathogenic.